The following is an entry in ClinVar:

ClinVar aggregate classification (germline): Pathogenic. Review status: criteria provided, multiple submitters, no conflicts (2 of 4 stars). 2 submissions from 2 submitters: Pathogenic (2). Last evaluated 2023-09-30.

Conditions:
KCNV2-related disorder. Also called: KCNV2-related condition.

Allele frequency attached by ClinVar (database versions not stated): TOPMed below 0.00001; gnomAD 0.00001.

Submissions (2):

Labcorp Genetics (formerly Invitae), Labcorp
Classification: Pathogenic. Last evaluated: 2023-09-30. Review status: criteria provided, single submitter. Criteria: Invitae Variant Classification Sherloc (09022015). Collection method: clinical testing. Allele origin: germline.
Comment: This sequence change creates a premature translational stop signal (p.Trp188*) in the KCNV2 gene. It is expected to result in an absent or disrupted protein product. Loss-of-function variants in KCNV2 are known to be pathogenic (PMID: 16909397, 18235024). This variant is not present in population databases (gnomAD no frequency). This premature translational stop signal has been observed in individual(s) with cone dystrophy (PMID: 22264887). For these reasons, this variant has been classified as Pathogenic.

Blueprint Genetics
Classification: Pathogenic for KCNV2-related disorders. Last evaluated: 2022-06-15. Review status: criteria provided, single submitter. Criteria: ACMG Guidelines, 2015. Collection method: clinical testing. Allele origin: germline. Affected: yes. Observed: 1 variant allele.

Literature cited by the submitters: PubMed 16909397 (cited by Labcorp Genetics (formerly Invitae), Labcorp); PubMed 18235024 (cited by Labcorp Genetics (formerly Invitae), Labcorp); PubMed 22264887 (cited by Labcorp Genetics (formerly Invitae), Labcorp).

NM_133497.4(KCNV2):c.563G>A (p.Trp188Ter)

Gene: KCNV2 (potassium voltage-gated channel modifier subfamily V member 2; plus strand). Cytogenetic location: 9p24.2.
Variant type: single nucleotide variant.
Coding change: c.563G>A on transcript NM_133497.4 (MANE Select); coding-DNA position 563, G replaced by A.
Protein change: p.Trp188Ter; replaces tryptophan 188 with a stop codon.
Molecular consequence: nonsense.
Genome position (GRCh38, 1-based): chr9:2,718,302, G>A. VCF-style: chr9-2718302-G-A. GRCh37 (hg19) VCF-style: chr9-2718302-G-A.
Other names: short protein forms W188*.
Identifiers: ClinVar variation 2735239 (VCV002735239.4), dbSNP rs1252195949, ClinGen allele CA372798453.